The following is an entry in ClinVar:

NM_000179.3(MSH6):c.3642A>T (p.Glu1214Asp)

Gene: MSH6 (mutS homolog 6; plus strand). Cytogenetic location: 2p16.3.
Variant type: single nucleotide variant.
Coding change: c.3642A>T on transcript NM_000179.3 (MANE Select); coding-DNA position 3642, A replaced by T.
Protein change: p.Glu1214Asp; replaces glutamic acid 1214 with aspartic acid.
Molecular consequence: missense variant. On other transcripts: non-coding transcript variant (5).
Genome position (GRCh38, 1-based): chr2:47,805,703, A>T. VCF-style: chr2-47805703-A-T. GRCh37 (hg19) VCF-style: chr2-48032842-A-T.
Other names: c.3252A>T, p.Glu1084Asp (NM_001281492.2); c.2736A>T, p.Glu912Asp (NM_001281493.2, NM_001281494.2, NM_001406811.1 and 6 more transcripts); c.3738A>T, p.Glu1246Asp (NM_001406795.1, NM_001406802.1); c.3642A>T, p.Glu1214Asp (NM_001406796.1, NM_001406800.1, NM_001406808.1 and 1 more transcripts); c.3345A>T, p.Glu1115Asp (NM_001406797.1, NM_001406801.1, NM_001406805.1 and 10 more transcripts); c.3468A>T, p.Glu1156Asp (NM_001406798.1); c.3117A>T, p.Glu1039Asp (NM_001406799.1, NM_001406806.1, NM_001406807.1); c.2778A>T, p.Glu926Asp (NM_001406803.1); and 7 more; short protein forms E1115D, E1158D, E1216D, E163D, E1039D, E1188D, E141D, E529D.
Identifiers: ClinVar variation 3633971 (VCV003633971.2).
Genomic context (GRCh38, chr2:47,805,703, plus strand): 5'-AAGTGAAACTGCCAGCATACTCATGCATGCAACAGCACATTCTCTGGTGCTTGTGGATGA[A>T]TTAGGTAAGACATTAAACTTCTCATTTGAAGACTATCTATCTTAAAAACATTTGTACAAA-3'
Protein context (NP_000170.1, residues 1204-1224): ATAHSLVLVD[Glu1214Asp]LGRGTATFDG

ClinVar aggregate classification (germline): Uncertain significance (1 of 4 stars; one submission).

Conditions:
Hereditary nonpolyposis colorectal neoplasms. Identifiers: MedGen C0009405, MeSH D003123.

Submission:

Labcorp Genetics (formerly Invitae), Labcorp
Classification: Uncertain significance for Hereditary nonpolyposis colorectal neoplasms. Last evaluated: 2024-11-18. Review status: criteria provided, single submitter. Criteria: Invitae Variant Classification Sherloc (09022015). Collection method: clinical testing. Allele origin: germline.
Comment: This sequence change replaces glutamic acid, which is acidic and polar, with aspartic acid, which is acidic and polar, at codon 1214 of the MSH6 protein (p.Glu1214Asp). This variant is not present in population databases (gnomAD no frequency). This variant has not been reported in the literature in individuals affected with MSH6-related conditions. Invitae Evidence Modeling of protein sequence and biophysical properties (such as structural, functional, and spatial information, amino acid conservation, physicochemical variation, residue mobility, and thermodynamic stability) indicates that this missense variant is expected to disrupt MSH6 protein function with a positive predictive value of 95%. In summary, the available evidence is currently insufficient to determine the role of this variant in disease. Therefore, it has been classified as a Variant of Uncertain Significance.